The following is an entry in ClinVar:

ClinVar aggregate classification (germline): Likely benign (1 of 4 stars; one submission).

Conditions:
SEMA3F-related disorder. Also called: SEMA3F-related condition.

Submission:

PreventionGenetics, part of Exact Sciences
Classification: Likely benign for SEMA3F-related condition. Last evaluated: 2026-05-06. Review status: criteria provided, single submitter. Criteria: ACMG Guidelines, 2015. Collection method: clinical testing. Allele origin: germline.
Comment: This variant is classified as likely benign based on ACMG/AMP sequence variant interpretation guidelines (Richards et al. 2015 PMID: 25741868, with internal and published modifications).

NM_004186.5(SEMA3F):c.15T>A (p.Gly5=)

Gene: SEMA3F (semaphorin 3F; plus strand). Cytogenetic location: 3p21.31.
Variant type: single nucleotide variant.
Coding change: c.15T>A on transcript NM_004186.5 (MANE Select); coding-DNA position 15, T replaced by A.
Protein change: p.Gly5=; no amino-acid change (glycine 5 retained).
Molecular consequence: synonymous variant. On other transcripts: intron variant (1).
Genome position (GRCh38, 1-based): chr3:50,159,637, T>A. VCF-style: chr3-50159637-T-A. GRCh37 (hg19) VCF-style: chr3-50197070-T-A.
Other names: c.15T>A, p.Gly5= (NM_001318800.2); c.-135-55T>A (NM_001318798.2).
Identifiers: ClinVar variation 4994420 (VCV004994420.1).